The following is an entry in ClinVar:

NM_198525.3(KIF7):c.3460A>T (p.Thr1154Ser)

Genes: KIF7 (kinesin family member 7; minus strand), LOC126862216 (BRD4-independent group 4 enhancer GRCh37_chr15:90171995-90173194; plus strand). Cytogenetic location: 15q26.1.
Variant type: single nucleotide variant.
Coding change: c.3460A>T on transcript NM_198525.3 (MANE Select); coding-DNA position 3460, A replaced by T.
Protein change: p.Thr1154Ser; replaces threonine 1154 with serine.
Molecular consequence: missense variant.
Genome position (GRCh38, 1-based): chr15:89,629,432, T>A on the plus strand (A>T on the coding strand, the complement: KIF7 is on the minus strand). VCF-style: chr15-89629432-T-A. GRCh37 (hg19) VCF-style: chr15-90172663-T-A.
Other names: short protein forms T1154S.
Identifiers: ClinVar variation 1014175 (VCV001014175.9), dbSNP rs1963621732, ClinGen allele CA393754839.
Genomic context (GRCh38, chr15:89,629,432, plus strand): 5'-CACCTCGACTCTGCTGCAGGAGCAGCTGCATGTTCTGCTCGTGCTCCTTCTGCTGCAGGG[T>A]CAGCTGGCGGTCCATCTCCAGGCGCTGCCGCTCCAGGGCCACCTCCAGCCAGTACACCAG-3'
Protein context (NP_940927.2, residues 1144-1164): RQRLEMDRQL[Thr1154Ser]LQQKEHEQNM

ClinVar aggregate classification (germline): Uncertain significance (1 of 4 stars; one submission).

Conditions:
Acrocallosal syndrome (ACLS). Also called: HALLUX DUPLICATION, POSTAXIAL POLYDACTYLY, AND ABSENCE OF CORPUS CALLOSUM; Schinzel syndrome 1; Absence of corpus callosum with unusual facial appearance, mental deficiency, duplication of the halluces and polydactyly. Identifiers: Orphanet 36, MedGen C0796147, MONDO:0008708, OMIM 200990.

Submission:

Labcorp Genetics (formerly Invitae), Labcorp
Classification: Uncertain significance for Acrocallosal syndrome. Last evaluated: 2020-08-20. Review status: criteria provided, single submitter. Criteria: Invitae Variant Classification Sherloc (09022015). Collection method: clinical testing. Allele origin: germline.
Comment: In summary, the available evidence is currently insufficient to determine the role of this variant in disease. Therefore, it has been classified as a Variant of Uncertain Significance. Algorithms developed to predict the effect of missense changes on protein structure and function are either unavailable or do not agree on the potential impact of this missense change (SIFT: "Deleterious"; PolyPhen-2: "Probably Damaging"; Align-GVGD: "Class C0"). This variant has not been reported in the literature in individuals with KIF7-related conditions. This variant is not present in population databases (ExAC no frequency). This sequence change replaces threonine with serine at codon 1154 of the KIF7 protein (p.Thr1154Ser). The threonine residue is highly conserved and there is a small physicochemical difference between threonine and serine.